The following is an entry in ClinVar:

ClinVar aggregate classification (germline): Uncertain significance. Review status: criteria provided, multiple submitters, no conflicts (2 of 4 stars). 2 submissions from 2 submitters: Uncertain significance (2). Last evaluated 2026-02-25.

Conditions:
MCHR1-related disorder. Also called: MCHR1-related condition.

Allele frequency attached by ClinVar (database versions not stated): ExAC 0.00002; TOPMed 0.00003; gnomAD exomes 0.00004.
gnomAD v4.1: 57 of 1,614,136 alleles (0.0035%); highest among the groups gnomAD compares: Middle Eastern, 0.016%; no homozygotes.

Submissions (2):

PreventionGenetics, part of Exact Sciences
Classification: Uncertain significance for MCHR1-related condition. Last evaluated: 2026-02-25. Review status: criteria provided, single submitter. Criteria: ACMG Guidelines, 2015. Collection method: clinical testing. Allele origin: germline.
Comment: The MCHR1 c.1091C>T variant is predicted to result in the amino acid substitution p.Ala364Val. To our knowledge, this variant has not been reported in the literature. This variant is reported in 0.0079% of alleles in individuals of European (Non-Finnish) descent in gnomAD. At this time, the clinical significance of this variant is uncertain due to the absence of conclusive functional and genetic evidence.

Ambry Genetics
Classification: Uncertain significance. Last evaluated: 2021-11-08. Review status: criteria provided, single submitter. Criteria: Ambry Variant Classification Scheme 2023. Collection method: clinical testing. Allele origin: germline.

NM_005297.4(MCHR1):c.884C>T (p.Ala295Val)

Gene: MCHR1 (melanin concentrating hormone receptor 1; plus strand). Cytogenetic location: 22q13.2.
Variant type: single nucleotide variant.
Coding change: c.884C>T on transcript NM_005297.4 (MANE Select); coding-DNA position 884, C replaced by T.
Protein change: p.Ala295Val; replaces alanine 295 with valine.
Molecular consequence: missense variant.
Genome position (GRCh38, 1-based): chr22:40,681,750, C>T. VCF-style: chr22-40681750-C-T. GRCh37 (hg19) VCF-style: chr22-41077754-C-T.
Other names: short protein forms A295V.
Identifiers: ClinVar variation 2259253 (VCV002259253.3), dbSNP rs200535551, ClinGen allele CA10250360.
Genomic context (GRCh38, chr22:40,681,750, plus strand): 5'-TACAGCTGACCCAGTTGTCCATCAGCCGCCCGACCCTCACCTTTGTCTACTTATACAATG[C>T]GGCCATCAGCTTGGGCTATGCCAACAGCTGCCTCAACCCCTTTGTGTACATCGTGCTCTG-3'
Protein context (NP_005288.4, residues 285-305): PTLTFVYLYN[Ala295Val]AISLGYANSC